The following is an entry in ClinVar:

ClinVar aggregate classification (germline): Uncertain significance (1 of 4 stars; one submission).

Conditions:
Noonan syndrome 8 (NS8). Identifiers: Orphanet 648, MedGen C3809233, MONDO:0014143, OMIM 615355.

Allele frequency attached by ClinVar (database versions not stated): TOPMed 0.00001; ExAC 0.00002.
gnomAD v4.1: 3 of 1,614,002 alleles (0.00019%); highest among the groups gnomAD compares: East Asian, 0.0067%; no homozygotes.

Submission:

Labcorp Genetics (formerly Invitae), Labcorp
Classification: Uncertain significance for Noonan syndrome 8. Last evaluated: 2024-10-20. Review status: criteria provided, single submitter. Criteria: Invitae Variant Classification Sherloc (09022015). Collection method: clinical testing. Allele origin: germline.
Comment: This sequence change replaces alanine, which is neutral and non-polar, with valine, which is neutral and non-polar, at codon 189 of the RIT1 protein (p.Ala189Val). This variant is present in population databases (rs749213571, gnomAD 0.01%). This variant has not been reported in the literature in individuals affected with RIT1-related conditions. ClinVar contains an entry for this variant (Variation ID: 2176691). Invitae Evidence Modeling of protein sequence and biophysical properties (such as structural, functional, and spatial information, amino acid conservation, physicochemical variation, residue mobility, and thermodynamic stability) indicates that this missense variant is not expected to disrupt RIT1 protein function with a negative predictive value of 95%. In summary, the available evidence is currently insufficient to determine the role of this variant in disease. Therefore, it has been classified as a Variant of Uncertain Significance.

NM_006912.6(RIT1):c.566C>T (p.Ala189Val)

Gene: RIT1 (Ras like without CAAX 1; minus strand). Cytogenetic location: 1q22.
Variant type: single nucleotide variant.
Coding change: c.566C>T on transcript NM_006912.6 (MANE Select); coding-DNA position 566, C replaced by T.
Protein change: p.Ala189Val; replaces alanine 189 with valine.
Molecular consequence: missense variant.
Genome position (GRCh38, 1-based): chr1:155,900,482, G>A on the plus strand (C>T on the coding strand, the complement: RIT1 is on the minus strand). VCF-style: chr1-155900482-G-A. GRCh37 (hg19) VCF-style: chr1-155870273-G-A.
Other names: c.458C>T, p.Ala153Val (NM_001256820.2); c.617C>T, p.Ala206Val (NM_001256821.2); short protein forms A189V, A153V, A206V.
Identifiers: ClinVar variation 2176691 (VCV002176691.4), dbSNP rs749213571, ClinGen allele CA1151772.
Genomic context (GRCh38, chr1:155,900,482, plus strand): 5'-GATTTTAGCCTCTTCCATACACTGTTTTTGGGCTTAGATTTTTTCTCCATGGCCAGTACT[G>A]CCTCCTTTTCTTTCCTACGTATCTCCCGTACAAGGGCATGGAAAACATCATCAATATAGT-3'
Protein context (NP_008843.1, residues 179-199): VREIRRKEKE[Ala189Val]VLAMEKKSKP